The following is an entry in ClinVar:

NM_000285.4(PEPD):c.35G>A (p.Gly12Glu)

Gene: PEPD (peptidase D; minus strand). Cytogenetic location: 19q13.11.
Variant type: single nucleotide variant.
Coding change: c.35G>A on transcript NM_000285.4 (MANE Select); coding-DNA position 35, G replaced by A.
Protein change: p.Gly12Glu; replaces glycine 12 with glutamic acid.
Molecular consequence: missense variant.
Genome position (GRCh38, 1-based): chr19:33,512,759, C>T on the plus strand (G>A on the coding strand, the complement: PEPD is on the minus strand). VCF-style: chr19-33512759-C-T. GRCh37 (hg19) VCF-style: chr19-34003665-C-T.
Other names: c.35G>A, p.Gly12Glu (NM_001166056.2, NM_001166057.2); short protein forms G12E.
Identifiers: ClinVar variation 1403510 (VCV001403510.6), dbSNP rs1970953344, ClinGen allele CA405233935.

ClinVar aggregate classification (germline): Uncertain significance (1 of 4 stars; one submission).

Allele frequency attached by ClinVar (database versions not stated): gnomAD exomes below 0.00001; TOPMed below 0.00001; gnomAD 0.00001.
gnomAD v4.1: 4 of 1,613,992 alleles (0.00025%); highest among the groups gnomAD compares: African/African-American, 0.0027%; no homozygotes.

Submission:

Labcorp Genetics (formerly Invitae), Labcorp
Classification: Uncertain significance. Last evaluated: 2022-07-12. Review status: criteria provided, single submitter. Criteria: Invitae Variant Classification Sherloc (09022015). Collection method: clinical testing. Allele origin: germline.
Comment: In summary, the available evidence is currently insufficient to determine the role of this variant in disease. Therefore, it has been classified as a Variant of Uncertain Significance. Algorithms developed to predict the effect of missense changes on protein structure and function are either unavailable or do not agree on the potential impact of this missense change (SIFT: "Deleterious"; PolyPhen-2: "Probably Damaging"; Align-GVGD: "Class C15"). ClinVar contains an entry for this variant (Variation ID: 1403510). This variant has not been reported in the literature in individuals affected with PEPD-related conditions. This variant is not present in population databases (gnomAD no frequency). This sequence change replaces glycine, which is neutral and non-polar, with glutamic acid, which is acidic and polar, at codon 12 of the PEPD protein (p.Gly12Glu).